The following is an entry in ClinVar:

NM_001267550.2(TTN):c.91765G>A (p.Ala30589Thr)

Genes: TTN (titin; minus strand), TTN-AS1 (TTN antisense RNA 1; plus strand). Cytogenetic location: 2q31.2.
Variant type: single nucleotide variant.
Coding change: c.91765G>A on transcript NM_001267550.2 (MANE Select); coding-DNA position 91765, G replaced by A.
Protein change: p.Ala30589Thr; replaces alanine 30589 with threonine.
Molecular consequence: missense variant.
Genome position (GRCh38, 1-based): chr2:178,550,073, C>T on the plus strand (G>A on the coding strand, the complement: TTN is on the minus strand). VCF-style: chr2-178550073-C-T. GRCh37 (hg19) VCF-style: chr2-179414800-C-T.
Other names: p.A28948T:GCT>ACT; p.Ala28948Thr; c.86842G>A, p.Ala28948Thr (NM_001256850.1); c.64570G>A, p.Ala21524Thr (NM_003319.4); c.84061G>A, p.Ala28021Thr (NM_133378.4); c.64945G>A, p.Ala21649Thr (NM_133432.3); c.65146G>A, p.Ala21716Thr (NM_133437.4); short protein forms A30589T, A28021T, A28948T, A21524T, A21716T, A21649T.
Identifiers: ClinVar variation 47514 (VCV000047514.52), dbSNP rs148617456, ClinGen allele CA141236.

ClinVar aggregate classification (germline): Conflicting classifications of pathogenicity. Review status: criteria provided, conflicting classifications (1 of 4 stars). 24 submissions from 20 submitters: Uncertain significance (1); Benign (15); Likely benign (3). 5 of the submissions do not count toward it. Last evaluated 2026-02-03.

Conditions:
Dilated cardiomyopathy 1G (CMD1G). Identifiers: Orphanet 154, MedGen C1858763, MONDO:0011400, OMIM 604145.
Autosomal recessive limb-girdle muscular dystrophy type 2J (LGMDR10). Also called: MUSCULAR DYSTROPHY, LIMB-GIRDLE, AUTOSOMAL RECESSIVE 10; Limb-girdle muscular dystrophy, type 2J. Identifiers: Orphanet 140922, MedGen C1837342, MONDO:0012127, OMIM 608807.
Cardiovascular phenotype. Identifiers: MedGen CN230736.
Cardiomyopathy (CMYO). Also called: Cardiomyopathies. Identifiers: Orphanet 167848, MedGen C0878544, MONDO:0004994, HP:0001638. Inheritance: Various modes of inheritance.
Early-onset myopathy with fatal cardiomyopathy (CMYO5). Also called: CONGENITAL MYOPATHY 5 WITH CARDIOMYOPATHY; Salih Myopathy. Identifiers: Orphanet 289377, MedGen C2673677, MONDO:0012714, OMIM 611705. Disease mechanism: loss of function.
Myopathy, myofibrillar, 9, with early respiratory failure (MFM9). Also called: Myopathy, distal, with early respiratory failure, autosomal dominant; Hereditary myopathy with early respiratory failure; MYOPATHY, PROXIMAL, WITH EARLY RESPIRATORY MUSCLE INVOLVEMENT; EDSTROM MYOPATHY. Identifiers: Orphanet 178464, Orphanet 34521, MedGen C1863599, MONDO:0011362, OMIM 603689.
Primary dilated cardiomyopathy (DCM). Also called: Dilated Cardiomyopathy. Identifiers: Orphanet 217604, MedGen C0007193, MeSH D002311, MONDO:0005021, HP:0001644. Inheritance: Various modes of inheritance.
Tibial muscular dystrophy (TMD). Also called: Udd Distal Myopathy – Tibial Muscular Dystrophy; Tibial muscular dystrophy, tardive; UDD MYOPATHY. Identifiers: Orphanet 609, MedGen C1838244, MONDO:0010870, OMIM 600334.

Allele frequency attached by ClinVar (database versions not stated): gnomAD 0.00108 and 0.00180; 1000 Genomes Project 30x 0.00593; TOPMed 0.00104; ESP Exome Variant Server 0.00150; gnomAD exomes 0.00218 and 0.00369; 1000 Genomes Project 0.00599; ExAC 0.00427.
gnomAD v4.1: 3,505 of 1,613,788 alleles (0.22%); highest among the groups gnomAD compares: South Asian, 2.1%; 52 homozygotes.

Submissions (24):

Labcorp Genetics (formerly Invitae), Labcorp
Classification: Benign for Dilated cardiomyopathy 1G; Autosomal recessive limb-girdle muscular dystrophy type 2J. Last evaluated: 2026-02-03. Review status: criteria provided, single submitter. Criteria: Invitae Variant Classification Sherloc (09022015). Collection method: clinical testing. Allele origin: germline.

ARUP Laboratories, Molecular Genetics and Genomics, ARUP Laboratories
Classification: Benign. Last evaluated: 2025-06-23. Review status: criteria provided, single submitter. Criteria: ARUP Molecular Germline Variant Investigation Process 2024. Collection method: clinical testing. Allele origin: germline.

Molecular Diagnostic Laboratory for Inherited Cardiovascular Disease, Montreal Heart Institute
Classification: Benign. Last evaluated: 2025-04-09. Review status: criteria provided, single submitter. Criteria: ACMG Guidelines, 2015. Collection method: clinical testing. Allele origin: germline. Affected: no.

Athena Diagnostics
Classification: Benign. Last evaluated: 2025-01-21. Review status: criteria provided, single submitter. Criteria: Athena Diagnostics Criteria. Collection method: clinical testing. Allele origin: unknown.
Comment: The frequency of this variant in the general population is higher than would generally be expected for pathogenic variants in this gene.

Mayo Clinic Laboratories, Mayo Clinic
Classification: Benign. Last evaluated: 2023-06-16. Review status: criteria provided, single submitter. Criteria: ACMG Guidelines, 2015. Collection method: clinical testing. Allele origin: germline. Observed: 8 variant alleles.
Comment: BS1, BS2

Women's Health and Genetics/Laboratory Corporation of America, LabCorp
Classification: Likely benign. Last evaluated: 2020-01-06. Review status: criteria provided, single submitter. Criteria: LabCorp Variant Classification Summary - May 2015. Collection method: clinical testing. Allele origin: germline.

CHEO Genetics Diagnostic Laboratory, Children's Hospital of Eastern Ontario
Classification: Benign for Cardiomyopathy. Last evaluated: 2019-05-30. Review status: criteria provided, single submitter. Criteria: ACMG Guidelines, 2015. Collection method: clinical testing. Allele origin: germline.

Illumina Laboratory Services, Illumina
Classification: Benign for Myopathy, myofibrillar, 9, with early respiratory failure. Last evaluated: 2017-04-27. Review status: criteria provided, single submitter. Criteria: ICSL Variant Classification Criteria 13 December 2019. Collection method: clinical testing. Allele origin: germline.
Comment: This variant was observed as part of a predisposition screen in an ostensibly healthy population. A literature search was performed for the gene, cDNA change, and amino acid change (where applicable). Publications were found based on this search. The evidence from the literature, in combination with allele frequency data from public databases where available, was sufficient to rule this variant out of causing disease. Therefore, this variant is classified as benign.

Illumina Laboratory Services, Illumina
Classification: Benign for Dilated cardiomyopathy 1G. Last evaluated: 2017-04-27. Review status: criteria provided, single submitter. Criteria: ICSL Variant Classification Criteria 13 December 2019. Collection method: clinical testing. Allele origin: germline.
Comment: the same text as in the submission from Illumina Laboratory Services, Illumina above.

Illumina Laboratory Services, Illumina
Classification: Benign for Tibial muscular dystrophy. Last evaluated: 2017-04-27. Review status: criteria provided, single submitter. Criteria: ICSL Variant Classification Criteria 13 December 2019. Collection method: clinical testing. Allele origin: germline.
Comment: the same text as in the submission from Illumina Laboratory Services, Illumina above.

Illumina Laboratory Services, Illumina
Classification: Likely benign for Autosomal recessive limb-girdle muscular dystrophy type 2J. Last evaluated: 2017-04-27. Review status: criteria provided, single submitter. Criteria: ICSL Variant Classification Criteria 13 December 2019. Collection method: clinical testing. Allele origin: germline.
Comment: This variant was observed as part of a predisposition screen in an ostensibly healthy population. A literature search was performed for the gene, cDNA change, and amino acid change (where applicable). Publications were found based on this search. The evidence from the literature, in combination with allele frequency data from public databases where available, was sufficient to determine this variant is unlikely to cause disease. Therefore, this variant is classified as likely benign.

Illumina Laboratory Services, Illumina
Classification: Benign for Early-onset myopathy with fatal cardiomyopathy. Last evaluated: 2017-04-27. Review status: criteria provided, single submitter. Criteria: ICSL Variant Classification Criteria 13 December 2019. Collection method: clinical testing. Allele origin: germline.
Comment: the same text as in the submission from Illumina Laboratory Services, Illumina above.

Center for Advanced Laboratory Medicine, UC San Diego Health, University of California San Diego
Classification: Benign for Dilated cardiomyopathy. Last evaluated: 2017-02-28. Review status: criteria provided, single submitter. Criteria: ACMG Guidelines, 2015. Collection method: clinical testing. Allele origin: germline. Affected: yes. Observed: 1 variant allele.

GeneDx
Classification: Benign. Last evaluated: 2016-02-08. Review status: criteria provided, single submitter. Criteria: GeneDx Variant Classification (06012015). Collection method: clinical testing. Allele origin: germline. Affected: yes.
Comment: This variant is considered likely benign or benign based on one or more of the following criteria: it is a conservative change, it occurs at a poorly conserved position in the protein, it is predicted to be benign by multiple in silico algorithms, and/or has population frequency not consistent with disease.

Ambry Genetics
Classification: Benign for Cardiovascular phenotype. Last evaluated: 2016-01-06. Review status: criteria provided, single submitter. Criteria: Ambry Variant Classification Scheme 2023. Collection method: clinical testing. Allele origin: germline.

Eurofins Ntd Llc (ga)
Classification: Benign. Last evaluated: 2015-09-01. Review status: criteria provided, single submitter. Criteria: EGL Classification Definitions 2015. Collection method: clinical testing. Allele origin: germline. Observed: 1 variant allele, 1 heterozygote.

Laboratory for Molecular Medicine, Mass General Brigham Personalized Medicine
Classification: Benign. Last evaluated: 2015-02-25. Review status: criteria provided, single submitter. Criteria: LMM Criteria. Collection method: clinical testing. Allele origin: germline. Observed: 14 variant alleles.
Comment: p.Ala28021Thr in exon 286 of TTN: This variant is not expected to have clinical significance because it has been identified in 2.3% (384/16502) of South Asian c hromosomes by the Exome Aggregation Consortium (ExAC .org; dbSNP rs148617456).

Genetic Services Laboratory, University of Chicago
Classification: Uncertain significance. Last evaluated: 2014-03-17. Review status: criteria provided, single submitter. Criteria: ACMG Guidelines, 2007. Collection method: clinical testing. Allele origin: germline.

Biesecker Lab/Clinical Genomics Section, National Institutes of Health
Classification: Likely benign. Last evaluated: 2013-06-24. Review status: criteria provided, single submitter. Criteria: Ng et al. (Circ Cardiovasc Genet. 2013). Collection method: research. Allele origin: unknown. Observed: 2 variant alleles. Study: ClinSeq.
Comment: The study set was not selected for affection status in relation to any cancer. Pathogenicity categories were based on literature curation. See Pubmed ID:23861362 for details.

Medical sequencing

Clinical Genetics DNA and cytogenetics Diagnostics Lab, Erasmus MC, Erasmus Medical Center
Classification: Likely benign. Review status: no assertion criteria provided. Collection method: clinical testing. Allele origin: germline. Affected: yes. Study: VKGL Data-share Consensus. Not counted in ClinVar's aggregate classification.

Clinical Genetics, Academic Medical Center
Classification: Benign. Review status: no assertion criteria provided. Collection method: clinical testing. Allele origin: germline. Affected: yes. Study: VKGL Data-share Consensus. Not counted in ClinVar's aggregate classification.

Diagnostic Laboratory, Department of Genetics, University Medical Center Groningen
Classification: Likely benign. Review status: no assertion criteria provided. Collection method: clinical testing. Allele origin: germline. Affected: yes. Study: VKGL Data-share Consensus. Not counted in ClinVar's aggregate classification.

Joint Genome Diagnostic Labs from Nijmegen and Maastricht, Radboudumc and MUMC+
Classification: Benign. Review status: no assertion criteria provided. Collection method: clinical testing. Allele origin: germline. Affected: yes. Study: VKGL Data-share Consensus. Not counted in ClinVar's aggregate classification.

Laboratory of Diagnostic Genome Analysis, Leiden University Medical Center (LUMC)
Classification: Likely benign. Review status: no assertion criteria provided. Collection method: clinical testing. Allele origin: germline. Affected: yes. Study: VKGL Data-share Consensus. Not counted in ClinVar's aggregate classification.

Literature cited by the submitters: PubMed 23757202 (cited by Athena Diagnostics and Illumina Laboratory Services, Illumina); PubMed 23861362 (cited by Athena Diagnostics); PubMed 24503780 (cited by Athena Diagnostics).